The following is an entry in ClinVar:

ClinVar aggregate classification (germline): Uncertain significance. Review status: criteria provided, multiple submitters, no conflicts (2 of 4 stars). 2 submissions from 2 submitters: Uncertain significance (2). Last evaluated 2022-08-16.

Allele frequency attached by ClinVar (database versions not stated): gnomAD 0.00001; gnomAD exomes 0.00001; TOPMed 0.00001.
gnomAD v4.1: 11 of 1,599,824 alleles (0.00069%); highest among the groups gnomAD compares: African/African-American, 0.004%; no homozygotes.

Submissions (2):

Labcorp Genetics (formerly Invitae), Labcorp
Classification: Uncertain significance. Last evaluated: 2022-08-16. Review status: criteria provided, single submitter. Criteria: Invitae Variant Classification Sherloc (09022015). Collection method: clinical testing. Allele origin: germline.
Comment: In summary, the available evidence is currently insufficient to determine the role of this variant in disease. Therefore, it has been classified as a Variant of Uncertain Significance. Algorithms developed to predict the effect of missense changes on protein structure and function (SIFT, PolyPhen-2, Align-GVGD) all suggest that this variant is likely to be tolerated. ClinVar contains an entry for this variant (Variation ID: 633406). This variant has not been reported in the literature in individuals affected with SBF1-related conditions. This variant is not present in population databases (gnomAD no frequency). This sequence change replaces threonine, which is neutral and polar, with methionine, which is neutral and non-polar, at codon 943 of the SBF1 protein (p.Thr943Met).

Women's Health and Genetics/Laboratory Corporation of America, LabCorp
Classification: Uncertain significance. Last evaluated: 2017-01-24. Review status: criteria provided, single submitter. Criteria: LabCorp Variant Classification Summary - May 2015. Collection method: clinical testing. Allele origin: germline.
Comment: Variant Summary: The SBF1 variant, c.2828C>T (p.Thr943Met) is located in the PH domain-like/GRAM domain (vis InterPro) causes a missense change involving a non-conserved nucleotide, which 2/4 in silico tools (SNPs&GO not captured here due to low reliability index) predict a "damaging" outcome, although these predictions have yet to be functionally assessed. The variant of interest was not observed in controls (ExAC, 1000 Gs, or ESP), nor has it been, to our knowledge, reported in affected individuals via publications and/or reputable databases/clinical diagnostic laboratories. SBF1 encodes a member of the protein-tyrosine phosphatase family. However, this protein seems to lack the catalytically active phosphatase and instead contains a Guanine nucleotide exchange factor domain important for growth and differentiation (per NCBI). Mutations in SBF1 have been implicated in Charcot-Marie Tooth disease 4B3 (CMT4B3), an autosomal recessive demyelinating disorder of the peripheral nervous system, characterized by progressive weakness and atrophy, initially of the peroneal muscles and later of the distal muscles of the arms (per GeneReviews). The variant of interest, due to limited available information (ie, lack of clinical and functional studies) has been classified as a "Variant of Uncertain Significance (VUS)."

NM_002972.4(SBF1):c.2828C>T (p.Thr943Met)

Gene: SBF1 (SET binding factor 1; minus strand). Cytogenetic location: 22q13.33.
Variant type: single nucleotide variant.
Coding change: c.2828C>T on transcript NM_002972.4 (MANE Select); coding-DNA position 2828, C replaced by T.
Protein change: p.Thr943Met; replaces threonine 943 with methionine.
Molecular consequence: missense variant.
Genome position (GRCh38, 1-based): chr22:50,461,534, G>A on the plus strand (C>T on the coding strand, the complement: SBF1 is on the minus strand). VCF-style: chr22-50461534-G-A. GRCh37 (hg19) VCF-style: chr22-50899963-G-A.
Other names: c.2831C>T, p.Thr944Met (NM_001365819.1); short protein forms T943M, T944M.
Identifiers: ClinVar variation 633406 (VCV000633406.4), dbSNP rs987368963, ClinGen allele CA325532466.